The following is an entry in ClinVar:

NM_017763.6(RNF43):c.253-18G>A

Gene: RNF43 (ring finger protein 43; minus strand). Cytogenetic location: 17q22.
Variant type: single nucleotide variant.
Coding change: c.253-18G>A on transcript NM_017763.6 (MANE Select); 18 bases into the intron before coding-DNA position 253, G replaced by A.
Molecular consequence: intron variant.
Genome position (GRCh38, 1-based): chr17:58,371,051, C>T on the plus strand (G>A on the coding strand, the complement: RNF43 is on the minus strand). VCF-style: chr17-58371051-C-T. GRCh37 (hg19) VCF-style: chr17-56448412-C-T.
Other names: c.253-18G>A (NM_001438822.1, NM_001305544.3, NM_001438820.1 and 1 more transcripts); c.-129-18G>A (NM_001305545.2, NM_001437987.1).
Identifiers: ClinVar variation 4875679 (VCV004875679.1).

ClinVar aggregate classification (germline): Likely benign (1 of 4 stars; one submission).

Conditions:
Sessile serrated polyposis cancer syndrome (SSPCS). Identifiers: Orphanet 157798, MedGen C4310714, MONDO:0014919, OMIM 617108.

Submission:

Myriad Genetics, Inc.
Classification: Likely benign for Sessile serrated polyposis cancer syndrome. Last evaluated: 2026-06-26. Review status: criteria provided, single submitter. Criteria: Myriad Autosomal Dominant, Autosomal Recessive and X-Linked Classification Criteria (2023). Collection method: clinical testing. Allele origin: unknown.
Comment: This variant is considered likely benign. This variant is intronic and is not expected to impact mRNA splicing.